The following is an entry in ClinVar:

NM_001077653.2(TBX20):c.484del (p.Tyr162fs)

Gene: TBX20 (T-box transcription factor 20; minus strand). Cytogenetic location: 7p14.2.
Variant type: Deletion.
Coding change: c.484del on transcript NM_001077653.2 (MANE Select); coding-DNA position 484, one base deleted (T; older notation c.484delT).
Protein change: p.Tyr162fs; shifts the reading frame from tyrosine 162.
Molecular consequence: frameshift variant.
Genome position (GRCh38, 1-based): chr7:35,248,738, A deleted on the plus strand (T on the coding strand, the reverse complement: TBX20 is on the minus strand). VCF-style (leftmost placement, unchanged base first): chr7-35248737-TA-T. GRCh37 (hg19) VCF-style: chr7-35288349-TA-T.
Other names: c.484del, p.Tyr162fs (NM_001166220.1); short protein forms Y162fs.
Identifiers: ClinVar variation 2026375 (VCV002026375.4), dbSNP rs2546996400, ClinGen allele CA2580077070.

ClinVar aggregate classification (germline): Pathogenic (1 of 4 stars; one submission).

Submission:

Labcorp Genetics (formerly Invitae), Labcorp
Classification: Pathogenic. Last evaluated: 2024-01-24. Review status: criteria provided, single submitter. Criteria: Invitae Variant Classification Sherloc (09022015). Collection method: clinical testing. Allele origin: germline.
Comment: This sequence change creates a premature translational stop signal (p.Tyr162Thrfs*45) in the TBX20 gene. It is expected to result in an absent or disrupted protein product. Loss-of-function variants in TBX20 are known to be pathogenic (PMID: 15901664, 25625280, 26118961, 27510170). This variant is not present in population databases (gnomAD no frequency). This variant has not been reported in the literature in individuals affected with TBX20-related conditions. ClinVar contains an entry for this variant (Variation ID: 2026375). Algorithms developed to predict the effect of sequence changes on RNA splicing suggest that this variant may disrupt the consensus splice site. For these reasons, this variant has been classified as Pathogenic.

Literature cited by the submitters: PubMed 15901664; PubMed 25625280; PubMed 26118961; PubMed 27510170.